The following is an entry in ClinVar:

ClinVar aggregate classification (germline): Likely benign. Review status: criteria provided, single submitter (1 of 4 stars). 2 submissions from 2 submitters: Likely benign (1). 1 of the submissions does not count toward it. Last evaluated 2022-02-12.

Conditions:
EPCAM-related disorder. Also called: EPCAM-related condition.
Hereditary cancer-predisposing syndrome. Also called: Hereditary Cancer Syndrome; Hereditary neoplastic syndrome; Tumor predisposition; Neoplastic Syndromes, Hereditary. Identifiers: Orphanet 140162, MedGen C0027672, MeSH D009386, MONDO:0015356.

gnomAD v4.1: 9 of 1,613,350 alleles (0.00056%); highest among the groups gnomAD compares: African/African-American, 0.012%; no homozygotes.

Submissions (2):

Ambry Genetics
Classification: Likely benign for Hereditary cancer-predisposing syndrome. Last evaluated: 2022-02-12. Review status: criteria provided, single submitter. Criteria: Ambry Variant Classification Scheme 2023. Collection method: clinical testing. Allele origin: germline.

PreventionGenetics, part of Exact Sciences
Classification: Likely benign for EPCAM-related condition. Last evaluated: 2021-11-16. Review status: no assertion criteria provided. Collection method: clinical testing. Allele origin: germline. Not counted in ClinVar's aggregate classification.
Comment: This variant is classified as likely benign based on ACMG/AMP sequence variant interpretation guidelines (Richards et al. 2015 PMID: 25741868, with internal and published modifications).

NM_002354.3(EPCAM):c.108A>C (p.Val36=)

Gene: EPCAM (epithelial cell adhesion molecule; plus strand). Cytogenetic location: 2p21.
Variant type: single nucleotide variant.
Coding change: c.108A>C on transcript NM_002354.3 (MANE Select); coding-DNA position 108, A replaced by C.
Protein change: p.Val36=; no amino-acid change (valine 36 retained).
Molecular consequence: synonymous variant.
Genome position (GRCh38, 1-based): chr2:47,373,494, A>C. VCF-style: chr2-47373494-A-C. GRCh37 (hg19) VCF-style: chr2-47600633-A-C.
Identifiers: ClinVar variation 1788681 (VCV001788681.4), dbSNP rs201251927, ClinGen allele CA426012311.